The following is an entry in ClinVar:

ClinVar aggregate classification (germline): Likely benign. Review status: criteria provided, multiple submitters, no conflicts (2 of 4 stars). 2 submissions from 2 submitters: Likely benign (2). Last evaluated 2023-04-25.

Submissions (2):

Labcorp Genetics (formerly Invitae), Labcorp
Classification: Likely benign. Last evaluated: 2023-04-25. Review status: criteria provided, single submitter. Criteria: Invitae Variant Classification Sherloc (09022015). Collection method: clinical testing. Allele origin: germline.

CeGaT Center for Human Genetics Tuebingen
Classification: Likely benign. Last evaluated: 2022-05-01. Review status: criteria provided, single submitter. Criteria: CeGaT Center For Human Genetics Tuebingen Variant Classification Criteria Version 2. Collection method: clinical testing. Allele origin: germline. Affected: yes. Observed: 1 variant allele.
Comment: ERCC6: PM2:Supporting, BP4, BP7

NM_000124.4(ERCC6):c.3906G>A (p.Gln1302=)

Gene: ERCC6 (ERCC excision repair 6, chromatin remodeling factor; minus strand). Cytogenetic location: 10q11.23.
Variant type: single nucleotide variant.
Coding change: c.3906G>A on transcript NM_000124.4 (MANE Select); coding-DNA position 3906, G replaced by A.
Protein change: p.Gln1302=; no amino-acid change (glutamine 1302 retained).
Molecular consequence: synonymous variant.
Genome position (GRCh38, 1-based): chr10:49,461,429, C>T on the plus strand (G>A on the coding strand, the complement: ERCC6 is on the minus strand). VCF-style: chr10-49461429-C-T. GRCh37 (hg19) VCF-style: chr10-50669475-C-T.
Other names: c.3906G>A, p.Gln1302= (NM_001346440.2).
Identifiers: ClinVar variation 2640450 (VCV002640450.27), dbSNP rs1403192066, ClinGen allele CA469600323.
Genomic context (GRCh38, chr10:49,461,429, plus strand): 5'-ACCAGAAATCCCCCTGTGGCCAGTCCAGGTGGGAACACCAGACACTGCTCCCAGACACCG[C>T]TGACGAGAGAGCCTCAGTGCTTTCAGGGCATCCTGGGCCACTCGGTTGGCTTCTGCCTCC-3'
Protein context (NP_000115.1, residues 1292-1312): DALKALRLSR[Gln1302=]RCLGAVSGVP